The following is an entry in ClinVar:

NM_000550.3(TYRP1):c.*229C>G

Genes: LURAP1L-AS1 (LURAP1L antisense RNA 1; minus strand), TYRP1 (tyrosinase related protein 1; plus strand). Cytogenetic location: 9p23.
Variant type: single nucleotide variant.
Coding change: c.*229C>G on transcript NM_000550.3 (MANE Select); 229 bases downstream of the stop codon, C replaced by G.
Molecular consequence: 3 prime UTR variant.
Genome position (GRCh38, 1-based): chr9:12,709,411, C>G. VCF-style: chr9-12709411-C-G. GRCh37 (hg19) VCF-style: chr9-12709411-C-G.
Identifiers: ClinVar variation 914556 (VCV000914556.4), dbSNP rs116149666, ClinGen allele CA189272059.

ClinVar aggregate classification (germline): Likely benign (1 of 4 stars; one submission).

Conditions:
Oculocutaneous albinism type 3 (OCA3). Also called: Rufous OCA; Rufous albinism; ALBINISM III; RUFOUS OCULOCUTANEOUS ALBINISM; XANTHISM; Albinism, oculocutaneous, type III. Identifiers: Orphanet 79433, MedGen C0342683, MONDO:0008747, OMIM 203290.

Allele frequency attached by ClinVar (database versions not stated): gnomAD exomes 0.00065; gnomAD 0.00611 and 0.00650; 1000 Genomes Project 30x 0.00625; TOPMed 0.00643; 1000 Genomes Project 0.00659.

Submission:

Illumina Laboratory Services, Illumina
Classification: Likely benign for Oculocutaneous albinism type 3. Last evaluated: 2018-01-13. Review status: criteria provided, single submitter. Criteria: ICSL Variant Classification Criteria 13 December 2019. Collection method: clinical testing. Allele origin: germline.
Comment: This variant was observed in the ICSL laboratory as part of a predisposition screen in an ostensibly healthy population. It had not been previously curated by ICSL or reported in the Human Gene Mutation Database (HGMD: prior to June 1st, 2018), and was therefore a candidate for classification through an automated scoring system. Utilizing variant allele frequency, disease prevalence and penetrance estimates, and inheritance mode, an automated score was calculated to assess if this variant is too frequent to cause the disease. Based on the score and internal cut-off values, a variant classified as likely benign is not then subjected to further curation. The score for this variant resulted in a classification of likely benign for this disease.